The following is an entry in ClinVar:

ClinVar aggregate classification (germline): Pathogenic/Likely pathogenic. Review status: criteria provided, multiple submitters, no conflicts (2 of 4 stars). 2 submissions from 2 submitters: Pathogenic (1); Likely pathogenic (1). Last evaluated 2023-12-01.

Conditions:
Autosomal recessive limb-girdle muscular dystrophy type 2J (LGMDR10). Also called: Limb-girdle muscular dystrophy, type 2J; MUSCULAR DYSTROPHY, LIMB-GIRDLE, AUTOSOMAL RECESSIVE 10. Identifiers: Orphanet 140922, MedGen C1837342, MONDO:0012127, OMIM 608807.
Dilated cardiomyopathy 1G (CMD1G). Identifiers: Orphanet 154, MedGen C1858763, MONDO:0011400, OMIM 604145.

Submissions (2):

GeneDx
Classification: Pathogenic. Last evaluated: 2023-12-01. Review status: criteria provided, single submitter. Criteria: GeneDx Variant Classification Process June 2021. Collection method: clinical testing. Allele origin: germline. Affected: yes.
Comment: Frameshift variant predicted to result in protein truncation or nonsense mediated decay in a gene for which loss of function is a known mechanism of disease; Located in the A-band region of TTN in which the majority of loss of function variants have been associated with autosomal dominant titinopathies (PMID: 22335739); Not observed at significant frequency in large population cohorts (gnomAD); Has not been previously published as pathogenic or benign to our knowledge; This variant is associated with the following publications: (PMID: 22335739)

Labcorp Genetics (formerly Invitae), Labcorp
Classification: Likely pathogenic for Dilated cardiomyopathy 1G; Autosomal recessive limb-girdle muscular dystrophy type 2J. Last evaluated: 2022-07-09. Review status: criteria provided, single submitter. Criteria: Invitae Variant Classification Sherloc (09022015). Collection method: clinical testing. Allele origin: germline.
Comment: This sequence change creates a premature translational stop signal (p.Phe19392Leufs*44) in the TTN gene. While this is not anticipated to result in nonsense mediated decay, it is expected to create a truncated TTN protein. This variant is not present in population databases (gnomAD no frequency). This variant has not been reported in the literature in individuals affected with TTN-related conditions. This variant is located in the A band of TTN (PMID: 25589632). Truncating variants in this region are significantly overrepresented in patients affected with dilated cardiomyopathy (PMID: 25589632). Truncating variants in this region have also been reported in individuals affected with autosomal recessive centronuclear myopathy (PMID: 23975875). In summary, the currently available evidence indicates that the variant is pathogenic, but additional data are needed to prove that conclusively. Therefore, this variant has been classified as Likely Pathogenic.

Literature cited by the submitters: PubMed 25589632 (cited by Labcorp Genetics (formerly Invitae), Labcorp); PubMed 23975875 (cited by Labcorp Genetics (formerly Invitae), Labcorp).

NM_001267550.2(TTN):c.58176del (p.Phe19392fs)

Genes: TTN (titin; minus strand), TTN-AS1 (TTN antisense RNA 1; plus strand). Cytogenetic location: 2q31.2.
Variant type: Deletion.
Coding change: c.58176del on transcript NM_001267550.2 (MANE Select); coding-DNA position 58176, one base deleted (C; older notation c.58176delC).
Protein change: p.Phe19392fs; shifts the reading frame from phenylalanine 19392.
Molecular consequence: frameshift variant.
Genome position (GRCh38, 1-based): chr2:178,594,217, G deleted on the plus strand (C on the coding strand, the reverse complement: TTN is on the minus strand). VCF-style (leftmost placement, unchanged base first): chr2-178594216-TG-T. GRCh37 (hg19) VCF-style: chr2-179458943-TG-T.
Other names: c.58176del (NM_001267550.1); c.53253del, p.Phe17751fs (NM_001256850.1); c.58176delC, p.Phe19392Leufs (NM_001267550.1); c.30981del, p.Phe10327fs (NM_003319.4); c.50472del, p.Phe16824fs (NM_133378.4); c.31356del, p.Phe10452fs (NM_133432.3); c.31557del, p.Phe10519fs (NM_133437.4); short protein forms F10452fs, F19392fs, F10327fs, F17751fs, F10519fs, F16824fs.
Identifiers: ClinVar variation 2015358 (VCV002015358.5), dbSNP rs2469619638, ClinGen allele CA2580064692.
Genomic context (GRCh38, chr2:178,594,216, plus strand): 5'-TGCCTGAGTAACGGCCAGTGAGGGCAAAAGCTTCACCAACTCGAATCGTGAGCTTATCTC[TG>T]AAGTCGAGGTGAAGCGTTGGGGGTGCTAAAATTTGTAATTATAAAGGCAAGTCATTTTTA-3'